The following is an entry in ClinVar:

NM_002907.4(RECQL):c.1907C>T (p.Ser636Phe)

Genes: PYROXD1 (pyridine nucleotide-disulphide oxidoreductase domain 1; plus strand), RECQL (RecQ like helicase; minus strand). Cytogenetic location: 12p12.1.
Variant type: single nucleotide variant.
Coding change: c.1907C>T on transcript NM_002907.4 (MANE Select); coding-DNA position 1907, C replaced by T.
Protein change: p.Ser636Phe; replaces serine 636 with phenylalanine.
Molecular consequence: missense variant. On other transcripts: 3 prime UTR variant (3).
Genome position (GRCh38, 1-based): chr12:21,470,237, G>A on the plus strand (C>T on the coding strand, the complement: RECQL is on the minus strand). VCF-style: chr12-21470237-G-A. GRCh37 (hg19) VCF-style: chr12-21623171-G-A.
Other names: c.1907C>T, p.Ser636Phe (NM_032941.3); c.*1483G>A (NM_001350912.2, NM_001350913.2, NM_024854.5); short protein forms S636F.
Identifiers: ClinVar variation 3222960 (VCV003222960.1), dbSNP rs2540304547, ClinGen allele CA384113578.

ClinVar aggregate classification (germline): Uncertain significance (1 of 4 stars; one submission).

Submission:

Ambry Genetics
Classification: Uncertain significance. Last evaluated: 2023-10-13. Review status: criteria provided, single submitter. Criteria: Ambry Variant Classification Scheme 2023. Collection method: clinical testing. Allele origin: germline.
Comment: The p.S636F variant (also known as c.1907C>T), located in coding exon 14 of the RECQL gene, results from a C to T substitution at nucleotide position 1907. The serine at codon 636 is replaced by phenylalanine, an amino acid with highly dissimilar properties. This amino acid position is conserved. In addition, this alteration is predicted to be tolerated by in silico analysis. Since supporting evidence is limited at this time, the clinical significance of this alteration remains unclear.